The following is an entry in ClinVar:

NM_003924.4(PHOX2B):c.146C>A (p.Thr49Asn)

Genes: PHOX2B (paired like homeobox 2B; minus strand), PHOX2B-AS1 (PHOX2B antisense RNA 1; plus strand). Cytogenetic location: 4p13.
Variant type: single nucleotide variant.
Coding change: c.146C>A on transcript NM_003924.4 (MANE Select); coding-DNA position 146, C replaced by A.
Protein change: p.Thr49Asn; replaces threonine 49 with asparagine.
Molecular consequence: missense variant.
Genome position (GRCh38, 1-based): chr4:41,748,465, G>T on the plus strand (C>A on the coding strand, the complement: PHOX2B is on the minus strand). VCF-style: chr4-41748465-G-T. GRCh37 (hg19) VCF-style: chr4-41750482-G-T.
Other names: short protein forms T49N.
Identifiers: ClinVar variation 467719 (VCV000467719.18), dbSNP rs559227588, ClinGen allele CA2901603.

ClinVar aggregate classification (germline): Conflicting classifications of pathogenicity. Review status: criteria provided, conflicting classifications (1 of 4 stars). 4 submissions from 4 submitters: Uncertain significance (3); Likely benign (1). Last evaluated 2025-06-30.

Conditions:
Hereditary cancer-predisposing syndrome. Also called: Neoplastic Syndromes, Hereditary; Tumor predisposition; Hereditary neoplastic syndrome; Hereditary Cancer Syndrome. Identifiers: Orphanet 140162, MedGen C0027672, MeSH D009386, MONDO:0015356.
Haddad syndrome (OHD). Also called: Ondine-Hirschsprung disease. Identifiers: Orphanet 99803, MedGen C1859049, MONDO:0020493.
Neuroblastoma, susceptibility to, 2. Identifiers: Orphanet 635, MedGen C2751682, MONDO:0700041, OMIM 613013.

Allele frequency attached by ClinVar (database versions not stated): ExAC 0.00002; gnomAD exomes 0.00003; gnomAD 0.00004; TOPMed 0.00005.
gnomAD v4.1: 81 of 1,614,062 alleles (0.005%); highest among the groups gnomAD compares: Non-Finnish European, 0.0065%; no homozygotes.

Submissions (4):

GeneDx
Classification: Uncertain significance. Last evaluated: 2025-06-30. Review status: criteria provided, single submitter. Criteria: GeneDx Variant Classification Process June 2021. Collection method: clinical testing. Allele origin: germline.
Comment: In silico analysis suggests that this missense variant does not alter protein structure/function; Not observed among a cohort of individuals with multiple primary cancers, but was seen in the unaffected controls (PMID: 29641532); This variant is associated with the following publications: (PMID: 29641532)

Labcorp Genetics (formerly Invitae), Labcorp
Classification: Uncertain significance for Haddad syndrome. Last evaluated: 2025-05-23. Review status: criteria provided, single submitter. Criteria: Invitae Variant Classification Sherloc (09022015). Collection method: clinical testing. Allele origin: germline.
Comment: This sequence change replaces threonine, which is neutral and polar, with asparagine, which is neutral and polar, at codon 49 of the PHOX2B protein (p.Thr49Asn). This variant is present in population databases (rs559227588, gnomAD 0.007%). This variant has not been reported in the literature in individuals affected with PHOX2B-related conditions. ClinVar contains an entry for this variant (Variation ID: 467719). Invitae Evidence Modeling of protein sequence and biophysical properties (such as structural, functional, and spatial information, amino acid conservation, physicochemical variation, residue mobility, and thermodynamic stability) indicates that this missense variant is not expected to disrupt PHOX2B protein function with a negative predictive value of 80%. In summary, the available evidence is currently insufficient to determine the role of this variant in disease. Therefore, it has been classified as a Variant of Uncertain Significance.

Baylor Genetics
Classification: Uncertain significance for Neuroblastoma, susceptibility to, 2. Last evaluated: 2024-02-18. Review status: criteria provided, single submitter. Criteria: ACMG Guidelines, 2015. Collection method: clinical testing. Allele origin: unknown.

Ambry Genetics
Classification: Likely benign for Hereditary cancer-predisposing syndrome. Last evaluated: 2023-08-18. Review status: criteria provided, single submitter. Criteria: Ambry Variant Classification Scheme 2023. Collection method: clinical testing. Allele origin: germline.

Literature cited by the submitters: PubMed 29641532 (cited by Ambry Genetics).